The following is an entry in ClinVar:

NM_000540.3(RYR1):c.4802C>T (p.Pro1601Leu)

Gene: RYR1 (ryanodine receptor 1; plus strand). Cytogenetic location: 19q13.2.
Variant type: single nucleotide variant.
Coding change: c.4802C>T on transcript NM_000540.3 (MANE Select); coding-DNA position 4802, C replaced by T.
Protein change: p.Pro1601Leu; replaces proline 1601 with leucine.
Molecular consequence: missense variant.
Genome position (GRCh38, 1-based): chr19:38,483,384, C>T. VCF-style: chr19-38483384-C-T. GRCh37 (hg19) VCF-style: chr19-38974024-C-T.
Other names: c.4802C>T, p.Pro1601Leu (NM_001042723.2); short protein forms P1601L.
Identifiers: ClinVar variation 3069520 (VCV003069520.1), dbSNP rs2514214024, ClinGen allele CA405650501.

ClinVar aggregate classification (germline): Uncertain significance (1 of 4 stars; one submission).

Conditions:
Malignant hyperthermia, susceptibility to, 1 (MHS1). Also called: RYR1-Related Malignant Hyperthermia Susceptibility; Anesthesia related hyperthermia; Malignant hyperpyrexia; Fulminating hyperpyrexia; Pharmacogenic myopathy; Malignant hyperthermia suceptibility 1. Identifiers: Orphanet 423, MedGen C2930980, MONDO:0007783, OMIM 145600.

Allele frequency attached by ClinVar (database versions not stated): gnomAD exomes below 0.00001.
gnomAD v4.1: 4 of 1,567,408 alleles (0.00026%); highest among the groups gnomAD compares: South Asian, 0.0012%; no homozygotes.

Submission:

All of Us Research Program, National Institutes of Health
Classification: Uncertain significance for Malignant hyperthermia, susceptibility to, 1. Last evaluated: 2023-02-24. Review status: criteria provided, single submitter. Criteria: ACMG Guidelines, 2015. Collection method: clinical testing. Allele origin: germline. Inheritance: Autosomal dominant inheritance. Observed: 1 variant allele, 1 heterozygote.
Comment: This missense variant replaces proline with leucine at codon 1601 of the RYR1 protein. Computational prediction suggests that this variant may have deleterious impact on protein structure and function (internally defined REVEL score threshold >= 0.7, PMID: 27666373). To our knowledge, functional studies have not been reported for this variant. This variant has not been reported in individuals affected with RYR1-related disorders in the literature. This variant has not been identified in the general population by the Genome Aggregation Database (gnomAD). The available evidence is insufficient to determine the role of this variant in disease conclusively. Therefore, this variant is classified as a Variant of Uncertain Significance.

This study involves interpretation of variants in research participants for the purpose of population health screening. Participant phenotype was not available at the time of variant classification. Additional details can be found in publication PMID: 35346344, PMCID: PMC8962531